The following is an entry in ClinVar:

ClinVar aggregate classification (germline): Uncertain significance (1 of 4 stars; one submission).

Submission:

GeneDx
Classification: Uncertain significance. Last evaluated: 2025-07-09. Review status: criteria provided, single submitter. Criteria: GeneDx Variant Classification Process June 2021. Collection method: clinical testing. Allele origin: germline. Affected: yes.
Comment: Not observed at significant frequency in large population cohorts (gnomAD); In silico analysis suggests that this missense variant does not alter protein structure/function; Has not been previously published as pathogenic or benign to our knowledge

NM_001999.4(FBN2):c.1540G>C (p.Val514Leu)

Gene: FBN2 (fibrillin 2; minus strand). Cytogenetic location: 5q23.3.
Variant type: single nucleotide variant.
Coding change: c.1540G>C on transcript NM_001999.4 (MANE Select); coding-DNA position 1540, G replaced by C.
Protein change: p.Val514Leu; replaces valine 514 with leucine.
Molecular consequence: missense variant.
Genome position (GRCh38, 1-based): chr5:128,392,081, C>G on the plus strand (G>C on the coding strand, the complement: FBN2 is on the minus strand). VCF-style: chr5-128392081-C-G. GRCh37 (hg19) VCF-style: chr5-127727774-C-G.
Other names: short protein forms V514L.
Identifiers: ClinVar variation 4685388 (VCV004685388.1).